The following is an entry in ClinVar:

NM_016239.4(MYO15A):c.1762C>A (p.Arg588=)

Gene: MYO15A (myosin XVA; plus strand). Cytogenetic location: 17p11.2.
Variant type: single nucleotide variant.
Coding change: c.1762C>A on transcript NM_016239.4 (MANE Select); coding-DNA position 1762, C replaced by A.
Protein change: p.Arg588=; no amino-acid change (arginine 588 retained).
Molecular consequence: synonymous variant.
Genome position (GRCh38, 1-based): chr17:18,120,562, C>A. VCF-style: chr17-18120562-C-A. GRCh37 (hg19) VCF-style: chr17-18023876-C-A.
Identifiers: ClinVar variation 227635 (VCV000227635.7), dbSNP rs774157005, ClinGen allele CA8423178.

ClinVar aggregate classification (germline): Likely benign. Review status: criteria provided, multiple submitters, no conflicts (2 of 4 stars). 2 submissions from 2 submitters: Likely benign (2). Last evaluated 2024-01-16.

Allele frequency attached by ClinVar (database versions not stated): ExAC 0.00003; gnomAD 0.00003; TOPMed 0.00005.
gnomAD v4.1: 27 of 1,599,132 alleles (0.0017%); highest among the groups gnomAD compares: Middle Eastern, 0.017%; no homozygotes.

Submissions (2):

Labcorp Genetics (formerly Invitae), Labcorp
Classification: Likely benign. Last evaluated: 2024-01-16. Review status: criteria provided, single submitter. Criteria: Invitae Variant Classification Sherloc (09022015). Collection method: clinical testing. Allele origin: germline.

Laboratory for Molecular Medicine, Mass General Brigham Personalized Medicine
Classification: Likely benign. Last evaluated: 2015-06-03. Review status: criteria provided, single submitter. Criteria: LMM Criteria. Collection method: clinical testing. Allele origin: germline. Observed: 1 variant allele.
Comment: p.Arg588Arg in exon 2 of MYO15A: This variant is not expected to have clinical s ignificance because it does not alter an amino acid residue and is not located w ithin the splice consensus sequence. It has been identified in 1/3544 African ch romosomes by the Exome Aggregation Consortium (ExAC. org).